The following is an entry in ClinVar:

ClinVar aggregate classification (germline): Benign. Review status: reviewed by expert panel (3 of 4 stars). 2 submissions from 2 submitters: Benign (1). 1 of the submissions does not count toward it. Last evaluated 2025-08-01.

Conditions:
RPGR-related retinopathy. Also called: RPGR retinopathy. Identifiers: MedGen CN305589, MONDO:0100437.

Allele frequency attached by ClinVar (database versions not stated): gnomAD 0.03126; TOPMed 0.03464; 1000 Genomes Project 0.07470; 1000 Genomes Project 30x 0.07575.
gnomAD v4.1: 3,460 of 111,186 alleles (3.1%); highest among the groups gnomAD compares: South Asian, 14%; 92 homozygotes.

Submissions (2):

ClinGen X-linked Inherited Retinal Disease Variant Curation Expert Panel, ClinGen
Classification: Benign for RPGR-related retinopathy. Last evaluated: 2025-08-01. Review status: reviewed by expert panel. Criteria: ClinGen X LinkedIRD ACMG Specifications RPGR V1.0.0. Collection method: curation. Allele origin: germline. Inheritance: X-linked inheritance.
Comment: NM_001034853.2(RPGR):c.1414+1450C>G is an intron 11 variant located 1450 nucleotides from exon 11. This variant is present in gnomAD v.4.1.0 at a frequency of 0.03626 among hemizygous individuals, with 1,213 variant alleles / 33,454 total alleles, which is higher than the ClinGen X-linked IRD VCEP BA1 threshold of >0.00005 (BA1). The splicing impact predictor SpliceAI gives a delta score of 0.00, which is below the ClinGen X-linked IRD VCEP recommended threshold of <0.1 and does not strongly predict an impact on splicing (BP4). The variant is located outside of the splice donor region (BP7). In summary, this variant is classified as benign for RPGR-related retinopathy based on the ClinGen X-linked Inherited Retinal Disease Expert Panel Specifications to the ACMG/AMP Variant Interpretation Guidelines for RPGR Version 1.0.0; BA1, BP4, and BP7. (date of approval 05/16/2025).

PreventionGenetics, part of Exact Sciences
Classification: Benign. Last evaluated: 2017-07-03. Review status: criteria provided, single submitter. Criteria: ACMG Guidelines, 2015. Collection method: clinical testing. Allele origin: germline. Not counted in ClinVar's aggregate classification.

NM_001034853.2(RPGR):c.1414+1450C>G

Gene: RPGR (retinitis pigmentosa GTPase regulator; minus strand). Cytogenetic location: Xp11.4.
Variant type: single nucleotide variant.
Coding change: c.1414+1450C>G on transcript NM_001034853.2 (MANE Select); 1450 bases into the intron after coding-DNA position 1414, C replaced by G.
Molecular consequence: intron variant.
Genome position (GRCh38, 1-based): chrX:38,295,834, G>C on the plus strand (C>G on the coding strand, the complement: RPGR is on the minus strand). VCF-style: chrX-38295834-G-C. GRCh37 (hg19) VCF-style: chrX-38155087-G-C.
Other names: c.1411+1450C>G (NM_001367249.1, NM_001367250.1, NM_001367245.1); c.1228+1450C>G (NM_001367251.1, NM_001367246.1); c.1414+1450C>G (NM_001367247.1, NM_000328.3); c.1444+1450C>G (NM_001367248.1).
Identifiers: ClinVar variation 1802295 (VCV001802295.3), dbSNP rs4827347, ClinGen allele CA327922574.